The following is an entry in ClinVar:

NM_022464.5(SIL1):c.1320T>C (p.Gly440=)

Gene: SIL1 (SIL1 nucleotide exchange factor; minus strand). Cytogenetic location: 5q31.2.
Variant type: single nucleotide variant.
Coding change: c.1320T>C on transcript NM_022464.5 (MANE Select); coding-DNA position 1320, T replaced by C.
Protein change: p.Gly440=; no amino-acid change (glycine 440 retained).
Molecular consequence: synonymous variant.
Genome position (GRCh38, 1-based): chr5:138,947,183, A>G on the plus strand (T>C on the coding strand, the complement: SIL1 is on the minus strand). VCF-style: chr5-138947183-A-G. GRCh37 (hg19) VCF-style: chr5-138282872-A-G.
Other names: c.1320T>C, p.Gly440= (NM_001037633.2).
Identifiers: ClinVar variation 3029171 (VCV003029171.2), dbSNP rs1208320948, ClinGen allele CA446793238.

ClinVar aggregate classification (germline): Likely benign (0 of 4 stars; one submission).

Conditions:
SIL1-related disorder. Also called: SIL1-related condition.

Allele frequency attached by ClinVar (database versions not stated): gnomAD 0.00001.
gnomAD v4.1: 1 of 1,613,276 alleles (0.000062%); highest among the groups gnomAD compares: African/African-American, 0.0013%; no homozygotes.

Submission:

PreventionGenetics, part of Exact Sciences
Classification: Likely benign for SIL1-related condition. Last evaluated: 2021-07-27. Review status: no assertion criteria provided. Collection method: clinical testing. Allele origin: germline.
Comment: This variant is classified as likely benign based on ACMG/AMP sequence variant interpretation guidelines (Richards et al. 2015 PMID: 25741868, with internal and published modifications).